The following is an entry in ClinVar:

ClinVar aggregate classification (germline): Benign (0 of 4 stars; one submission).

Conditions:
THADA-related disorder. Also called: THADA-related condition.

Allele frequency attached by ClinVar (database versions not stated): ExAC 0.01640; gnomAD 0.02967; ESP Exome Variant Server 0.03017; 1000 Genomes Project 0.03175; 1000 Genomes Project 30x 0.03279; TOPMed 0.03418.
gnomAD v4.1: 8,814 of 1,554,450 alleles (0.57%); highest among the groups gnomAD compares: African/African-American, 10%; 417 homozygotes.

Submission:

PreventionGenetics, part of Exact Sciences
Classification: Benign for THADA-related condition. Last evaluated: 2019-03-05. Review status: no assertion criteria provided. Collection method: clinical testing. Allele origin: germline.
Comment: This variant is classified as benign based on ACMG/AMP sequence variant interpretation guidelines (Richards et al. 2015 PMID: 25741868, with internal and published modifications).

NM_022065.5(THADA):c.5002T>C (p.Cys1668Arg)

Gene: THADA (THADA armadillo repeat containing; minus strand). Cytogenetic location: 2p21.
Variant type: single nucleotide variant.
Coding change: c.5002T>C on transcript NM_022065.5 (MANE Select); coding-DNA position 5002, T replaced by C.
Protein change: p.Cys1668Arg; replaces cysteine 1668 with arginine.
Molecular consequence: missense variant. On other transcripts: non-coding transcript variant (2).
Genome position (GRCh38, 1-based): chr2:43,291,704, A>G on the plus strand (T>C on the coding strand, the complement: THADA is on the minus strand). VCF-style: chr2-43291704-A-G. GRCh37 (hg19) VCF-style: chr2-43518843-A-G.
Other names: c.5002T>C, p.Cys1668Arg (NM_001083953.2, NM_001345925.2); c.4999T>C, p.Cys1667Arg (NM_001345923.2); c.4879T>C, p.Cys1627Arg (NM_001345924.2); c.*1073T>C (NM_198554.1); short protein forms C1627R, C1667R, C1668R.
Identifiers: ClinVar variation 3037743 (VCV003037743.2), dbSNP rs17030648, ClinGen allele CA1632039.